The following is an entry in ClinVar:

NM_002471.4(MYH6):c.2430-4C>A

Gene: MYH6 (myosin heavy chain 6; minus strand). Cytogenetic location: 14q11.2.
Variant type: single nucleotide variant.
Coding change: c.2430-4C>A on transcript NM_002471.4 (MANE Select); 4 bases into the intron before coding-DNA position 2430, C replaced by A.
Molecular consequence: intron variant.
Genome position (GRCh38, 1-based): chr14:23,394,327, G>T on the plus strand (C>A on the coding strand, the complement: MYH6 is on the minus strand). VCF-style: chr14-23394327-G-T. GRCh37 (hg19) VCF-style: chr14-23863536-G-T.
Identifiers: ClinVar variation 263988 (VCV000263988.21), dbSNP rs376527296, ClinGen allele CA7115452.
Genomic context (GRCh38, chr14:23,394,327, plus strand): 5'-CAATTCTTGACCCCCATGAAGGCCCGAATGTTCCACTGGATTACCAGCAGGGCATCCCTG[G>T]CAAGGAAACGTGGAGGCAGGGTGGGGCACTATAAAAGAGAGCTTCCCAATCATGGGCCCT-3'

ClinVar aggregate classification (germline): Benign/Likely benign. Review status: criteria provided, multiple submitters, no conflicts (2 of 4 stars). 6 submissions from 6 submitters: Benign (1); Likely benign (5). Last evaluated 2026-01-14.

Conditions:
MYH6-related disorder. Also called: MYH6-related condition; MYH6-Related Disorders.
Cardiovascular phenotype. Identifiers: MedGen CN230736.
Cardiomyopathy (CMYO). Also called: Cardiomyopathies. Identifiers: Orphanet 167848, MedGen C0878544, MONDO:0004994, HP:0001638. Inheritance: Various modes of inheritance.
Hypertrophic cardiomyopathy 14. Identifiers: MedGen C2750467, MONDO:0013197, OMIM 613251.

Allele frequency attached by ClinVar (database versions not stated): gnomAD exomes 0.00002 and 0.00005; ExAC 0.00006; ESP Exome Variant Server 0.00008; 1000 Genomes Project 30x 0.00016; 1000 Genomes Project 0.00020; gnomAD 0.00022 and 0.00023; TOPMed 0.00024.

Submissions (6):

Labcorp Genetics (formerly Invitae), Labcorp
Classification: Likely benign for Hypertrophic cardiomyopathy 14. Last evaluated: 2026-01-14. Review status: criteria provided, single submitter. Criteria: Invitae Variant Classification Sherloc (09022015). Collection method: clinical testing. Allele origin: germline.

PreventionGenetics, part of Exact Sciences
Classification: Likely benign for MYH6-related condition. Last evaluated: 2025-03-29. Review status: criteria provided, single submitter. Criteria: ACMG Guidelines, 2015. Collection method: clinical testing. Allele origin: germline.
Comment: This variant is classified as likely benign based on ACMG/AMP sequence variant interpretation guidelines (Richards et al. 2015 PMID: 25741868, with internal and published modifications).

Women's Health and Genetics/Laboratory Corporation of America, LabCorp
Classification: Benign. Last evaluated: 2022-03-19. Review status: criteria provided, single submitter. Criteria: LabCorp Variant Classification Summary - May 2015. Collection method: clinical testing. Allele origin: germline.

Ambry Genetics
Classification: Likely benign for Cardiovascular phenotype. Last evaluated: 2019-12-05. Review status: criteria provided, single submitter. Criteria: Ambry Variant Classification Scheme 2023. Collection method: clinical testing. Allele origin: germline.

GeneDx
Classification: Likely benign. Last evaluated: 2018-09-25. Review status: criteria provided, single submitter. Criteria: GeneDx Variant Classification Process June 2021. Collection method: clinical testing. Allele origin: germline. Affected: yes.

CHEO Genetics Diagnostic Laboratory, Children's Hospital of Eastern Ontario
Classification: Likely benign for Cardiomyopathy. Last evaluated: 2017-08-08. Review status: criteria provided, single submitter. Criteria: ACMG Guidelines, 2015. Collection method: clinical testing. Allele origin: germline. Study: Canadian Open Genetics Repository.